The following is an entry in ClinVar:

NM_015488.5(PNKD):c.*211C>T

Genes: CATIP-AS2 (CATIP antisense RNA 2; minus strand), PNKD (PNKD metallo-beta-lactamase domain containing; plus strand). Cytogenetic location: 2q35.
Variant type: single nucleotide variant.
Coding change: c.*211C>T on transcript NM_015488.5 (MANE Select); 211 bases downstream of the stop codon, C replaced by T.
Molecular consequence: 3 prime UTR variant.
Genome position (GRCh38, 1-based): chr2:218,345,192, C>T. VCF-style: chr2-218345192-C-T. GRCh37 (hg19) VCF-style: chr2-219209915-C-T.
Other names: c.*211C>T (NM_022572.5).
Identifiers: ClinVar variation 898561 (VCV000898561.7), dbSNP rs189926206, ClinGen allele CA65762266.

ClinVar aggregate classification (germline): Benign/Likely benign. Review status: criteria provided, multiple submitters, no conflicts (2 of 4 stars). 2 submissions from 2 submitters: Benign (1); Likely benign (1). Last evaluated 2019-10-31.

Conditions:
Paroxysmal nonkinesigenic dyskinesia 1 (PNKD1). Also called: PxMD-PNKD; MOUNT-REBACK SYNDROME; PAROXYSMAL DYSTONIC CHOREOATHETOSIS; Familial Paroxysmal Nonkinesigenic Dyskinesia; Nonkinesigenic choreoathetosis; Familial paroxysmal choreoathetosis. Identifiers: Orphanet 98810, MedGen C4551506, MONDO:0700089, OMIM 118800, MONDO:0007326.

Allele frequency attached by ClinVar (database versions not stated): gnomAD exomes 0.00065; gnomAD 0.00532 and 0.00565; TOPMed 0.00607; 1000 Genomes Project 0.00699; 1000 Genomes Project 30x 0.00718.

Submissions (2):

GeneDx
Classification: Likely benign. Last evaluated: 2019-10-31. Review status: criteria provided, single submitter. Criteria: GeneDx Variant Classification Process June 2021. Collection method: clinical testing. Allele origin: germline. Affected: yes.

Illumina Laboratory Services, Illumina
Classification: Benign for Paroxysmal nonkinesigenic dyskinesia 1. Last evaluated: 2018-01-13. Review status: criteria provided, single submitter. Criteria: ICSL Variant Classification Criteria 13 December 2019. Collection method: clinical testing. Allele origin: germline.
Comment: This variant was observed in the ICSL laboratory as part of a predisposition screen in an ostensibly healthy population. It had not been previously curated by ICSL or reported in the Human Gene Mutation Database (HGMD: prior to June 1st, 2018), and was therefore a candidate for classification through an automated scoring system. Utilizing variant allele frequency, disease prevalence and penetrance estimates, and inheritance mode, an automated score was calculated to assess if this variant is too frequent to cause the disease. Based on the score and internal cut-off values, a variant classified as benign is not then subjected to further curation. The score for this variant resulted in a classification of benign for this disease.